The following is an entry in ClinVar:

ClinVar aggregate classification (germline): Likely pathogenic (1 of 4 stars; one submission).

Submission:

Dasa
Classification: Likely pathogenic. Last evaluated: 2026-01-23. Review status: criteria provided, single submitter. Criteria: DASA Assertion Criteria. Collection method: clinical testing. Allele origin: germline.
Comment: NM_017780.4(CHD7):c.6790dup (p.Arg2264Lysfs*6) is a frameshift variant in CHD7 predicted to alter the reading frame and introduce a premature termination codon and is predicted to result in an absent or altered protein product. Loss of function is an established disease mechanism for CHD7 (PMID: 21158681; PMID: 16400610; PMID: 19248844). Also, this variant is absent from population databases. Based on the currently available evidence, this variant is classified as likely pathogenic.

Literature cited by the submitters: PubMed 21158681; PubMed 16400610; PubMed 19248844.

NM_017780.4(CHD7):c.6790dup (p.Arg2264fs)

Gene: CHD7 (chromodomain helicase DNA binding protein 7; plus strand). Cytogenetic location: 8q12.2.
Variant type: Duplication.
Coding change: c.6790dup on transcript NM_017780.4 (MANE Select); coding-DNA position 6790, one base duplicated (A; older notation c.6790dupA).
Protein change: p.Arg2264fs; shifts the reading frame from arginine 2264.
Molecular consequence: frameshift variant. On other transcripts: intron variant (1).
Genome position (GRCh38, 1-based): chr8:60,854,377, A duplicated. VCF-style (leftmost placement, unchanged base first): chr8-60854376-T-TA. GRCh37 (hg19) VCF-style: chr8-61766935-T-TA.
Other names: c.1717-7852dup (NM_001316690.1); short protein forms R2264fs.
Identifiers: ClinVar variation 4884274 (VCV004884274.2).